The following is an entry in ClinVar:

ClinVar aggregate classification (germline): Pathogenic. Review status: reviewed by expert panel (3 of 4 stars). 24 submissions from 24 submitters: Pathogenic (1). 23 of the submissions do not count toward it. Last evaluated 2016-09-08.

Conditions:
Familial prostate cancer. Also called: Hereditary Prostate Cancer. Identifiers: MedGen C2931456, MONDO:0700275, OMIM 176807.
Familial cancer of breast. Also called: BREAST CANCER, FAMILIAL; hereditary breast carcinoma; Hereditary breast cancer. Identifiers: Orphanet 227535, MedGen C0346153, MONDO:0016419, OMIM 114480. Disease mechanism: loss of function.
BRCA2-related cancer predisposition. Identifiers: MedGen CN377758, MONDO:0700269.
BRCA2-related disorder. Also called: BRCA2-related condition; BRCA2-related disorders. Identifiers: MedGen CN239275.
Pancreatic cancer, susceptibility to, 2. Identifiers: Orphanet 1333, MedGen C3150546, MONDO:0013235, OMIM 613347.
Glioma susceptibility 3 (GLM3). Also called: Glioblastoma 3. Identifiers: Orphanet 182067, Orphanet 360, MedGen C2751641, MONDO:0013093, OMIM 613029.
Breast-ovarian cancer, familial, susceptibility to, 2 (BROVCA2). Also called: BRCA2 Hereditary Breast and Ovarian Cancer. Identifiers: Orphanet 145, MedGen C2675520, MONDO:0012933, OMIM 612555. Disease mechanism: loss of function.
Fanconi anemia complementation group D1. Also called: BRCA2-Related Fanconi Anemia. Identifiers: Orphanet 319462, MedGen C1838457, MONDO:0011584, OMIM 605724.
Medulloblastoma (MDB). Also called: Medulloblastoma, somatic; MEDULLOBLASTOMA PREDISPOSITION SYNDROME. Identifiers: Orphanet 616, MedGen C0025149, MeSH D008527, MONDO:0007959, OMIM 155255, HP:0002885.
Wilms tumor 1 (WT1). Also called: Wilms tumor, somatic. Identifiers: Orphanet 654, MedGen CN033288, MONDO:0008679, OMIM 194070.
Hereditary cancer-predisposing syndrome. Also called: Neoplastic Syndromes, Hereditary; Tumor predisposition; Hereditary Cancer Syndrome; Hereditary neoplastic syndrome. Identifiers: Orphanet 140162, MedGen C0027672, MeSH D009386, MONDO:0015356.
Hereditary breast ovarian cancer syndrome. Also called: Breast and ovarian cancer; Hereditary breast and ovarian cancer; Hereditary breast and ovarian cancer syndrome (HBOC); Hereditary breast and ovarian cancer syndrome; BRCA1- and BRCA2-Associated Hereditary Breast and Ovarian Cancer; Hereditary breast and/or ovarian cancer syndrome. Identifiers: Orphanet 145, MedGen C0677776, MeSH D061325, MONDO:0003582. Disease mechanism: loss of function.
Malignant tumor of breast. Also called: Cancer breast; Malignant breast neoplasm. Identifiers: MedGen C0006142, MONDO:0007254. Disease mechanism: loss of function.
Breast carcinoma. Also called: Carcinoma of breast. Identifiers: MedGen C0678222, MONDO:0004989, HP:0003002.

Submissions 1 to 8 of 24:

Evidence-based Network for the Interpretation of Germline Mutant Alleles (ENIGMA)
Classification: Pathogenic for Breast-ovarian cancer, familial, susceptibility to, 2. Last evaluated: 2016-09-08. Review status: reviewed by expert panel. Criteria: ENIGMA BRCA1/2 Classification Criteria (2015). Collection method: curation. Allele origin: germline.
Comment: Variant allele predicted to encode a truncated non-functional protein.

Clinical Genetics, Tokyo Medical University
Classification: Pathogenic for Breast-ovarian cancer, familial, susceptibility to, 2. Last evaluated: 2026-08-27. Review status: criteria provided, single submitter. Criteria: ACMG Guidelines, 2015. Collection method: clinical testing. Allele origin: germline. Inheritance: Autosomal dominant inheritance. Affected: yes. Observed: 1 variant allele. Not counted in ClinVar's aggregate classification.
Comment: Frameshift variant (p.Ile1874Argfs*34) resulting in premature truncation at codon 1874, with predicted loss of critical C-terminal regions, including oligonucleotide/oligosaccharide-binding fold domains essential for RAD51-mediated homologous recombination repair. Meets PVS1 (frameshift variant causing premature truncation in a gene in which loss of function is an established disease mechanism), PM2_Supporting (absent/extremely rare in population databases including gnomAD), and PP5 (registered in ClinVar as pathogenic based on multiple clinical laboratory submissions (VCV000037980.69); not individually listed in the ENIGMA VCEP-curated variant classification table but with concordant pathogenic classifications from multiple independent submitters), per the gene-specific ACMG/AMP classification framework developed by the ClinGen ENIGMA BRCA1 and BRCA2 Variant Curation Expert Panel (VCEP).

PreventionGenetics, part of Exact Sciences
Classification: Pathogenic for BRCA2-related condition. Last evaluated: 2026-04-15. Review status: criteria provided, single submitter. Criteria: ACMG Guidelines, 2015. Collection method: clinical testing. Allele origin: germline. Not counted in ClinVar's aggregate classification.
Comment: The BRCA2 c.5621_5624delTTAA variant is predicted to result in a frameshift and premature protein termination (p.Ile1874Argfs*34). This variant has been reported in multiple individuals with breast and/or ovarian cancer (Alemar et al. 2017. PubMed ID: 29161300; Toss et al. 2019. PubMed ID: 30736435; Kechin et al. 2022. PubMed ID: 36367610). This variant is reported in 0.00089% of alleles in individuals of European (Non-Finnish) descent in gnomAD and in ClinVar this variant has been interpreted as pathogenic by multiple clinical labs (Variation ID: 37980). Frameshift variants in BRCA2 are expected to be pathogenic. This variant is interpreted as pathogenic.

Labcorp Genetics (formerly Invitae), Labcorp
Classification: Pathogenic for Hereditary breast ovarian cancer syndrome. Last evaluated: 2026-01-06. Review status: criteria provided, single submitter. Criteria: Invitae Variant Classification Sherloc (09022015). Collection method: clinical testing. Allele origin: germline. Not counted in ClinVar's aggregate classification.
Comment: This sequence change creates a premature translational stop signal (p.Ile1874Argfs*34) in the BRCA2 gene. It is expected to result in an absent or disrupted protein product. Loss-of-function variants in BRCA2 are known to be pathogenic (PMID: 20104584). This variant is present in population databases (rs80359526, gnomAD 0.0009%). This premature translational stop signal has been observed in individual(s) with breast cancer (PMID: 9042907, 10449599, 18042939, 19620486, 21913181, 26681312). This variant is also known as 5849del4. ClinVar contains an entry for this variant (Variation ID: 37980). For these reasons, this variant has been classified as Pathogenic.

Dasa
Classification: Pathogenic for Breast-ovarian cancer, familial, susceptibility to, 2. Last evaluated: 2025-07-16. Review status: criteria provided, single submitter. Criteria: DASA Assertion Criteria. Collection method: clinical testing. Allele origin: germline. Not counted in ClinVar's aggregate classification.
Comment: NM_000059.4(BRCA2):c.5621_5624del (p.Ile1874Argfs*34) is a frameshift variant in BRCA2 predicted to alter the reading frame and introduce a premature termination codon and is predicted to result in an absent or altered protein product. Loss of function is an established disease mechanism for BRCA2 (PMID: 16199546; PMID: 17063271; PMID: 25632310). The affected residue or protein region has prior evidence supporting clinical relevance. Also, this variant is rare in population databases. Based on the currently available evidence, this variant is classified as pathogenic.

Ambry Genetics
Classification: Pathogenic for Hereditary cancer-predisposing syndrome. Last evaluated: 2025-03-21. Review status: criteria provided, single submitter. Criteria: Ambry Variant Classification Scheme 2023. Collection method: clinical testing. Allele origin: germline. Not counted in ClinVar's aggregate classification.
Comment: The c.5621_5624delTTAA pathogenic mutation, located in coding exon 10 of the BRCA2 gene, results from a deletion of 4 nucleotides at nucleotide positions 5621 to 5624, causing a translational frameshift with a predicted alternate stop codon (p.I1874Rfs*34). This alteration has been identified in multiple individuals with Hereditary Breast and Ovarian Cancer (HBOC) syndrome (Serova OM et al. Am. J. Hum. Genet. 1997 Mar;60:486-95; Santarosa M et al. Int. J. Cancer. 1999 Sep;83:5-9; Bonadona V et al. Genes Chromosomes Cancer 2005 Aug;43:404-13; Litton JK et al. Cancer. 2012 Jan;118:321-5). Of note, this alteration is also designated as 5849del4-ter1907 and 5849del4 in published literature. In addition to the clinical data presented in the literature, this alteration is expected to result in loss of function by premature protein truncation or nonsense-mediated mRNA decay. As such, this alteration is interpreted as a disease-causing mutation.

Center for Genomic Medicine, Rigshospitalet, Copenhagen University Hospital
Classification: Pathogenic. Last evaluated: 2025-03-04. Review status: criteria provided, single submitter. Criteria: ACMG Guidelines, 2015. Collection method: clinical testing. Allele origin: germline. Not counted in ClinVar's aggregate classification.

CeGaT Center for Human Genetics Tuebingen
Classification: Pathogenic. Last evaluated: 2024-09-01. Review status: criteria provided, single submitter. Criteria: CeGaT Center For Human Genetics Tuebingen Variant Classification Criteria Version 2. Collection method: clinical testing. Allele origin: germline. Affected: yes. Observed: 1 variant allele. Not counted in ClinVar's aggregate classification.
Comment: BRCA2: PVS1, PM2, PS4:Moderate

NM_000059.4(BRCA2):c.5621_5624del (p.Ile1874fs)

Gene: BRCA2 (BRCA2 DNA repair associated; plus strand). Cytogenetic location: 13q13.1.
Variant type: Deletion.
Coding change: c.5621_5624del on transcript NM_000059.4 (MANE Select); coding-DNA positions 5621 to 5624, 4 bases deleted (TTAA; older notation c.5621_5624delTTAA).
Protein change: p.Ile1874fs; shifts the reading frame from isoleucine 1874.
Molecular consequence: frameshift variant.
Genome position (GRCh38, 1-based): chr13:32,339,976-32,339,979, TTAA deleted; deleting any 4 consecutive bases within chr13:32,339,973-32,339,979 gives the same sequence; the c. name uses the placement nearest the transcript's 3' end. VCF-style (leftmost placement, unchanged base first): chr13-32339972-GTAAT-G. GRCh37 (hg19) VCF-style: chr13-32914109-GTAAT-G.
Other names: 5849del4; c.5621_5624delTTAA (NM_000059.3).
Identifiers: ClinVar variation 37980 (VCV000037980.72), dbSNP rs80359526, ClinGen allele CA022719.